The following is an entry in ClinVar:

NM_032043.3(BRIP1):c.3253_3254delinsGT (p.Arg1085Val)

Gene: BRIP1 (BRCA1 interacting DNA helicase 1; minus strand). Cytogenetic location: 17q23.2.
Variant type: Indel.
Coding change: c.3253_3254delinsGT on transcript NM_032043.3 (MANE Select); coding-DNA positions 3253 to 3254, AG replaced by GT.
Protein change: p.Arg1085Val; replaces arginine 1085 with valine.
Molecular consequence: missense variant.
Genome position (GRCh38, 1-based): chr17:61,683,792-61,683,793, CT replaced by AC on the plus strand (AG replaced by GT on the coding strand, the reverse complement: BRIP1 is on the minus strand). VCF-style: chr17-61683792-CT-AC. GRCh37 (hg19) VCF-style: chr17-59761153-CT-AC.
Other names: c.3253_3254delAGinsGT (NM_032043.2); short protein forms R1085V.
Identifiers: ClinVar variation 919631 (VCV000919631.10), dbSNP rs2061314506, ClinGen allele CA913187810.
Genomic context (GRCh38, chr17:61,683,792, plus strand): 5'-AATTCAATGTCTGGATCCAGGGCTTCTTCAGAACAGAGCGGATGTTCAGAATGATTTTTT[CT>AC]AGTAAGGGTGGCATCAATCTTTAATGATGAAATAATGGTTTCTGATTGAGGGCATGATCC-3'
Protein context (NP_114432.2, residues 1075-1095): SSLKIDATLT[Arg1085Val]KNHSEHPLCS

ClinVar aggregate classification (germline): Uncertain significance. Review status: criteria provided, multiple submitters, no conflicts (2 of 4 stars). 3 submissions from 3 submitters: Uncertain significance (3). Last evaluated 2025-06-16.

Conditions:
Familial cancer of breast. Also called: hereditary breast carcinoma; BREAST CANCER, FAMILIAL; Hereditary breast cancer. Identifiers: Orphanet 227535, MedGen C0346153, MONDO:0016419, OMIM 114480. Disease mechanism: loss of function.
Fanconi anemia complementation group J. Also called: BRIP1-Related Fanconi Anemia. Identifiers: Orphanet 84, MedGen C1836860, MONDO:0012187, OMIM 609054.
Hereditary cancer-predisposing syndrome. Also called: Hereditary Cancer Syndrome; Hereditary neoplastic syndrome; Neoplastic Syndromes, Hereditary; Tumor predisposition. Identifiers: Orphanet 140162, MedGen C0027672, MeSH D009386, MONDO:0015356.

Submissions (3):

Labcorp Genetics (formerly Invitae), Labcorp
Classification: Uncertain significance for Familial cancer of breast; Fanconi anemia complementation group J. Last evaluated: 2025-06-16. Review status: criteria provided, single submitter. Criteria: Invitae Variant Classification Sherloc (09022015). Collection method: clinical testing. Allele origin: germline.
Comment: This sequence change replaces arginine, which is basic and polar, with valine, which is neutral and non-polar, at codon 1085 of the BRIP1 protein (p.Arg1085Val). Information on the frequency of this variant in the gnomAD database is not available, as this variant may be reported differently in the database. This variant has not been reported in the literature in individuals affected with BRIP1-related conditions. ClinVar contains an entry for this variant (Variation ID: 919631). An algorithm developed to predict the effect of missense changes on protein structure and function (PolyPhen-2) suggests that this variant is likely to be tolerated. In summary, the available evidence is currently insufficient to determine the role of this variant in disease. Therefore, it has been classified as a Variant of Uncertain Significance.

Ambry Genetics
Classification: Uncertain significance for Hereditary cancer-predisposing syndrome. Last evaluated: 2024-09-05. Review status: criteria provided, single submitter. Criteria: Ambry Variant Classification Scheme 2023. Collection method: clinical testing. Allele origin: germline.
Comment: The c.3253_3254delAGinsGT variant (also known as p.R1085V), located in coding exon 19 of the BRIP1 gene, results from an in-frame deletion of AG and insertion of GT at nucleotide positions 3253 to 3254. This results in the substitution of the arginine residue for a valine residue at codon 1085, an amino acid with similar properties. This amino acid position is not well conserved in available vertebrate species. In addition, this alteration is predicted to be neutral by in silico analysis (Choi Y et al. PLoS ONE. 2012; 7(10):e46688). Since supporting evidence is limited at this time, the clinical significance of this alteration remains unclear.

Color Diagnostics, LLC DBA Color Health
Classification: Uncertain significance for Hereditary cancer-predisposing syndrome. Last evaluated: 2023-12-05. Review status: criteria provided, single submitter. Criteria: ACMG Guidelines, 2015. Collection method: clinical testing. Allele origin: germline.
Comment: This missense variant replaces arginine with valine at codon 1085 of the BRIP1 protein. To our knowledge, functional studies have not been reported for this variant. This variant has not been reported in individuals affected with BRIP1-related disorders in the literature. This variant has not been identified in the general population by the Genome Aggregation Database (gnomAD). The available evidence is insufficient to determine the role of this variant in disease conclusively. Therefore, this variant is classified as a Variant of Uncertain Significance.